The following is an entry in ClinVar:

NM_000552.5(VWF):c.3725del (p.Gly1242fs)

Gene: VWF (von Willebrand factor; minus strand). Cytogenetic location: 12p13.31.
Variant type: Deletion.
Coding change: c.3725del on transcript NM_000552.5 (MANE Select); coding-DNA position 3725, one base deleted (G; older notation c.3725delG).
Protein change: p.Gly1242fs; shifts the reading frame from glycine 1242.
Molecular consequence: frameshift variant.
Genome position (GRCh38, 1-based): chr12:6,019,693, C deleted on the plus strand (G on the coding strand, the reverse complement: VWF is on the minus strand); the first of 2 consecutive C bases (chr12:6,019,693-6,019,694); deleting either gives the same sequence. VCF-style (leftmost placement, unchanged base first): chr12-6019692-GC-G. GRCh37 (hg19) VCF-style: chr12-6128858-GC-G.
Other names: c.3725delG (NM_000552.5); short protein forms G1242fs.
Identifiers: ClinVar variation 4688693 (VCV004688693.1).
Genomic context (GRCh38, chr12:6,019,692, plus strand): 5'-GATGTCCTCCACATACAGAGTGGTGGGGCTCACCGGGGCATCTGTGGGAGGCACCACCAG[GC>G]CTCCCGGCTCCTGGCAGGCTTCACAGGTGAGGTTGACAACATCACAGTGGCTGCAGAAAA-3'

ClinVar aggregate classification (germline): Pathogenic (1 of 4 stars; one submission).

Conditions:
von Willebrand disorder (VWD). Also called: von Willebrand Diseases; Von Willebrand disease (hereditary or acquired); von Willebrand's disease. Identifiers: MedGen C0042974, MeSH D014842, MONDO:0024574.

Submission:

Women's Health and Genetics/Laboratory Corporation of America, LabCorp
Classification: Pathogenic for von Willebrand disorder. Last evaluated: 2025-12-01. Review status: criteria provided, single submitter. Criteria: LabCorp Variant Classification Summary - May 2015. Collection method: clinical testing. Allele origin: germline.
Comment: Variant summary: VWF c.3725delG (p.Gly1242AlafsX11) results in a premature termination codon, predicted to cause absence of the protein due to nonsense mediated decay, which is a commonly known mechanism for disease. The variant was absent in 245332 control chromosomes (gnomAD). To our knowledge, no occurrence of c.3725delG in individuals affected with VWF-related conditions and no experimental evidence demonstrating its impact on protein function have been reported. No submitters have cited clinical-significance assessments for this variant to ClinVar. Based on the evidence outlined above, the variant was classified as pathogenic.